The following is an entry in ClinVar:

NM_014967.5(FAN1):c.2128C>T (p.Arg710Ter)

Genes: FAN1 (FANCD2 and FANCI associated nuclease 1; plus strand), MTMR10 (myotubularin related protein 10; minus strand). Cytogenetic location: 15q13.3.
Variant type: single nucleotide variant.
Coding change: c.2128C>T on transcript NM_014967.5 (MANE Select); coding-DNA position 2128, C replaced by T.
Protein change: p.Arg710Ter; replaces arginine 710 with a stop codon.
Molecular consequence: nonsense.
Genome position (GRCh38, 1-based): chr15:30,922,310, C>T. VCF-style: chr15-30922310-C-T. GRCh37 (hg19) VCF-style: chr15-31214513-C-T.
Other names: short protein forms R710*.
Identifiers: ClinVar variation 2137641 (VCV002137641.8), dbSNP rs199845994, ClinGen allele CA7450504.

ClinVar aggregate classification (germline): Pathogenic/Likely pathogenic. Review status: criteria provided, multiple submitters, no conflicts (2 of 4 stars). 4 submissions from 4 submitters: Pathogenic (2); Likely pathogenic (2). Last evaluated 2025-03-31.

Conditions:
Karyomegalic interstitial nephritis. Identifiers: Orphanet 401996, MedGen C3553774, MONDO:0013898, OMIM 614817.

Allele frequency attached by ClinVar (database versions not stated): ExAC 0.00002; ESP Exome Variant Server 0.00008; gnomAD 0.00008; TOPMed 0.00009; gnomAD exomes 0.00012.
gnomAD v4.1: 188 of 1,613,814 alleles (0.012%); highest among the groups gnomAD compares: Non-Finnish European, 0.014%; no homozygotes.

Submissions (4):

Labcorp Genetics (formerly Invitae), Labcorp
Classification: Pathogenic. Last evaluated: 2025-03-31. Review status: criteria provided, single submitter. Criteria: Invitae Variant Classification Sherloc (09022015). Collection method: clinical testing. Allele origin: germline.
Comment: This sequence change creates a premature translational stop signal (p.Arg710*) in the FAN1 gene. It is expected to result in an absent or disrupted protein product. Loss-of-function variants in FAN1 are known to be pathogenic (PMID: 22772369). This variant is present in population databases (rs199845994, gnomAD 0.009%). This premature translational stop signal has been observed in individual(s) with clinical features of FAN1-related conditions (PMID: 26546047, 31263571). ClinVar contains an entry for this variant (Variation ID: 2137641). Algorithms developed to predict the effect of sequence changes on RNA splicing suggest that this variant may disrupt the consensus splice site. For these reasons, this variant has been classified as Pathogenic.

Center for Genomic Medicine, Rigshospitalet, Copenhagen University Hospital
Classification: Likely pathogenic. Last evaluated: 2025-03-04. Review status: criteria provided, single submitter. Criteria: ACMG Guidelines, 2015. Collection method: clinical testing. Allele origin: germline.

Revvity Omics, Revvity
Classification: Likely pathogenic for Karyomegalic interstitial nephritis. Last evaluated: 2024-05-17. Review status: criteria provided, single submitter. Criteria: ACMG Guidelines, 2015. Collection method: clinical testing. Allele origin: germline.

Fulgent Genetics
Classification: Pathogenic for Karyomegalic interstitial nephritis. Last evaluated: 2023-12-27. Review status: criteria provided, single submitter. Criteria: ACMG Guidelines, 2015. Collection method: clinical testing. Allele origin: germline.

Literature cited by the submitters: PubMed 22772369 (cited by Labcorp Genetics (formerly Invitae), Labcorp); PubMed 26546047 (cited by Labcorp Genetics (formerly Invitae), Labcorp and Center for Genomic Medicine, Rigshospitalet, Copenhagen University Hospital); PubMed 31263571 (cited by Labcorp Genetics (formerly Invitae), Labcorp and Center for Genomic Medicine, Rigshospitalet, Copenhagen University Hospital); PubMed 26052075 (cited by Center for Genomic Medicine, Rigshospitalet, Copenhagen University Hospital).